The following is an entry in ClinVar:

ClinVar aggregate classification (germline): Likely pathogenic (1 of 4 stars; one submission).

Conditions:
Neurodevelopmental disorder with hypotonia and variable intellectual and behavioral abnormalities. Identifiers: MedGen C5231423, MONDO:0032829, OMIM 618603.

Submission:

Institute for Genomic Statistics and Bioinformatics, University Hospital Bonn
Classification: Likely pathogenic for Neurodevelopmental disorder with hypotonia and variable intellectual and behavioral abnormalities. Review status: criteria provided, single submitter. Criteria: ACMG Guidelines, 2015. Collection method: clinical testing. Allele origin: germline. Inheritance: Autosomal dominant inheritance. Affected: yes. Observed: 1 variant allele, 1 heterozygote.
Comment: ACMG classification: class 4 (PS2, PM2, PP2)

NM_078480.3(PUF60):c.1399C>G (p.Arg467Gly)

Gene: PUF60 (poly(U) binding splicing factor 60; minus strand). Cytogenetic location: 8q24.3.
Variant type: single nucleotide variant.
Coding change: c.1399C>G on transcript NM_078480.3 (MANE Select); coding-DNA position 1399, C replaced by G.
Protein change: p.Arg467Gly; replaces arginine 467 with glycine.
Molecular consequence: missense variant.
Genome position (GRCh38, 1-based): chr8:143,816,801, G>C on the plus strand (C>G on the coding strand, the complement: PUF60 is on the minus strand). VCF-style: chr8-143816801-G-C. GRCh37 (hg19) VCF-style: chr8-144898971-G-C.
Other names: c.1270C>G, p.Arg424Gly (NM_001136033.3); c.1345C>G, p.Arg449Gly (NM_001271096.2); c.1261C>G, p.Arg421Gly (NM_001271097.2); c.1396C>G, p.Arg466Gly (NM_001271098.2); c.1312C>G, p.Arg438Gly (NM_001271099.2); c.1219C>G, p.Arg407Gly (NM_001271100.2); c.1510C>G, p.Arg504Gly (NM_001362895.2, NM_001362896.2); c.1459C>G, p.Arg487Gly (NM_001362897.2); and 1 more; short protein forms R407G, R421G, R424G, R438G, R449G, R450G, R466G, R467G.
Identifiers: ClinVar variation 997952 (VCV000997952.2), dbSNP rs1816345861, ClinGen allele CA372486071.